The following is an entry in ClinVar:

ClinVar aggregate classification (germline): Uncertain significance (1 of 4 stars; one submission).

gnomAD v4.1: 64 of 1,607,678 alleles (0.004%); highest among the groups gnomAD compares: Middle Eastern, 0.017%; no homozygotes.

Submission:

CeGaT Center for Human Genetics Tuebingen
Classification: Uncertain significance. Last evaluated: 2026-03-01. Review status: criteria provided, single submitter. Criteria: CeGaT Center For Human Genetics Tuebingen Variant Classification Criteria Version 2. Collection method: clinical testing. Allele origin: germline. Affected: yes. Observed: 1 variant allele.
Comment: AIMP2: PM2, PM3:Supporting, BP4

NM_006303.4(AIMP2):c.608C>T (p.Thr203Met)

Genes: AIMP2 (aminoacyl tRNA synthetase complex interacting multifunctional protein 2; plus strand), EIF2AK1 (eukaryotic translation initiation factor 2 alpha kinase 1; minus strand). Cytogenetic location: 7p22.1.
Variant type: single nucleotide variant.
Coding change: c.608C>T on transcript NM_006303.4 (MANE Select); coding-DNA position 608, C replaced by T.
Protein change: p.Thr203Met; replaces threonine 203 with methionine.
Molecular consequence: missense variant. On other transcripts: 3 prime UTR variant (2).
Genome position (GRCh38, 1-based): chr7:6,023,336, C>T. VCF-style: chr7-6023336-C-T. GRCh37 (hg19) VCF-style: chr7-6062967-C-T.
Other names: c.*1337G>A (NM_001134335.2, NM_014413.4); c.488C>T, p.Thr163Met (NM_001326606.2); c.401C>T, p.Thr134Met (NM_001326607.2); c.374C>T, p.Thr125Met (NM_001326609.2, NM_001326610.2, NM_001326611.3); c.521C>T, p.Thr174Met (NM_001362785.2); c.476C>T, p.Thr159Met (NM_001362787.2); short protein forms T125M, T134M, T159M, T163M, T174M, T203M.
Identifiers: ClinVar variation 4821859 (VCV004821859.4).